The following is an entry in ClinVar:

NM_000540.3(RYR1):c.12947_12958del (p.Arg4316_Arg4319del)

Gene: RYR1 (ryanodine receptor 1; plus strand). Cytogenetic location: 19q13.2.
Variant type: Deletion.
Coding change: c.12947_12958del on transcript NM_000540.3 (MANE Select); coding-DNA positions 12947 to 12958, 12 bases deleted (GCGTGCGGCGGC).
Protein change: p.Arg4316_Arg4319del.
Genome position (GRCh38, 1-based): chr19:38,565,281-38,565,292, GCGTGCGGCGGC deleted; deleting any 12 consecutive bases within chr19:38,565,272-38,565,292 gives the same sequence; the c. name uses the placement nearest the transcript's 3' end. VCF-style (leftmost placement, unchanged base first): chr19-38565271-CTGCGGCGGCGCG-C. GRCh37 (hg19) VCF-style: chr19-39055911-CTGCGGCGGCGCG-C.
Other names: c.12932_12943del, p.Arg4311_Arg4314del (NM_001042723.2); c.12947_12958del12 (NM_000540.3).
Identifiers: ClinVar variation 3665984 (VCV003665984.3).

ClinVar aggregate classification (germline): Uncertain significance. Review status: criteria provided, multiple submitters, no conflicts (2 of 4 stars). 3 submissions from 3 submitters: Uncertain significance (3). Last evaluated 2025-09-04.

Conditions:
RYR1-related disorder. Also called: RYR1-related condition; RYR1-related disorders. Identifiers: MedGen CN239331.

Submissions (3):

Women's Health and Genetics/Laboratory Corporation of America, LabCorp
Classification: Uncertain significance. Last evaluated: 2025-09-04. Review status: criteria provided, single submitter. Criteria: LabCorp Variant Classification Summary - May 2015. Collection method: clinical testing. Allele origin: germline.
Comment: Variant summary: RYR1 c.12947_12958del12 (p.Arg4316_Arg4319del) results in an in-frame deletion that is predicted to remove four amino acids from the encoded protein. The variant allele was found at a frequency of 2.4e-05 in 995600 control chromosomes. This frequency is not significantly higher than estimated for disease-causing variants in RYR1, allowing no conclusion about variant significance. To our knowledge, no occurrence of c.12947_12958del12 in individuals affected with RYR1-related conditions and no experimental evidence demonstrating its impact on protein function have been reported. ClinVar contains an entry for this variant (Variation ID: 3665984). Based on the evidence outlined above, the variant was classified as uncertain significance.

Labcorp Genetics (formerly Invitae), Labcorp
Classification: Uncertain significance for RYR1-related disorder. Last evaluated: 2024-02-23. Review status: criteria provided, single submitter. Criteria: Invitae Variant Classification Sherloc (09022015). Collection method: clinical testing. Allele origin: germline.
Comment: This variant, c.12947_12958del, results in the deletion of 4 amino acid(s) of the RYR1 protein (p.Arg4316_Arg4319del), but otherwise preserves the integrity of the reading frame. This variant is present in population databases (no rsID available, gnomAD 0.2%). This variant has not been reported in the literature in individuals affected with RYR1-related conditions. Experimental studies and prediction algorithms are not available or were not evaluated, and the functional significance of this variant is currently unknown. In summary, the available evidence is currently insufficient to determine the role of this variant in disease. Therefore, it has been classified as a Variant of Uncertain Significance.

Blueprint Genetics
Classification: Uncertain significance. Last evaluated: 2021-09-23. Review status: criteria provided, single submitter. Criteria: ACMG Guidelines, 2015. Collection method: clinical testing. Allele origin: germline.